The following is an entry in ClinVar:

ClinVar aggregate classification (germline): Benign/Likely benign. Review status: criteria provided, multiple submitters, no conflicts (2 of 4 stars). 5 submissions from 4 submitters: Benign (4); Likely benign (1). Last evaluated 2026-09-01.

Conditions:
Supravalvar aortic stenosis (SVAS). Also called: Supravalvar aortic stenosis, Eisenberg type. Identifiers: Orphanet 3193, MedGen C0003499, MONDO:0008504, OMIM 185500, HP:0004381.
Cutis laxa, autosomal dominant 1 (ADCL1). Also called: ELN-Related Cutis Laxa. Identifiers: Orphanet 90348, MedGen C3276539, MONDO:0007411, OMIM 123700. Disease mechanism: Dominant Negative.

Allele frequency attached by ClinVar (database versions not stated): gnomAD exomes 0.00035 and 0.00088; ExAC 0.00103; ESP Exome Variant Server 0.00247; gnomAD 0.00305 and 0.00327; TOPMed 0.00336; 1000 Genomes Project 30x 0.00390; 1000 Genomes Project 0.00419.
gnomAD v4.1: 1,005 of 1,612,068 alleles (0.062%); highest among the groups gnomAD compares: African/African-American, 1.1%; 7 homozygotes.

Submissions (5):

CeGaT Center for Human Genetics Tuebingen
Classification: Likely benign. Last evaluated: 2026-09-01. Review status: criteria provided, single submitter. Criteria: CeGaT Center For Human Genetics Tuebingen Variant Classification Criteria Version 2. Collection method: clinical testing. Allele origin: germline. Affected: yes. Observed: 2 variant alleles.
Comment: ELN: BP4, BP7, BS1

Labcorp Genetics (formerly Invitae), Labcorp
Classification: Benign for Supravalvar aortic stenosis. Last evaluated: 2026-02-01. Review status: criteria provided, single submitter. Criteria: Invitae Variant Classification Sherloc (09022015). Collection method: clinical testing. Allele origin: germline.

GeneDx
Classification: Benign. Last evaluated: 2021-01-20. Review status: criteria provided, single submitter. Criteria: GeneDx Variant Classification Process June 2021. Collection method: clinical testing. Allele origin: germline. Affected: yes.

Illumina Laboratory Services, Illumina
Classification: Benign for Cutis laxa, autosomal dominant 1. Last evaluated: 2018-01-13. Review status: criteria provided, single submitter. Criteria: ICSL Variant Classification Criteria 13 December 2019. Collection method: clinical testing. Allele origin: germline.
Comment: This variant was observed in the ICSL laboratory as part of a predisposition screen in an ostensibly healthy population. It had not been previously curated by ICSL or reported in the Human Gene Mutation Database (HGMD: prior to June 1st, 2018), and was therefore a candidate for classification through an automated scoring system. Utilizing variant allele frequency, disease prevalence and penetrance estimates, and inheritance mode, an automated score was calculated to assess if this variant is too frequent to cause the disease. Based on the score and internal cut-off values, a variant classified as benign is not then subjected to further curation. The score for this variant resulted in a classification of benign for this disease.

Illumina Laboratory Services, Illumina
Classification: Benign for Supravalvar aortic stenosis. Last evaluated: 2018-01-13. Review status: criteria provided, single submitter. Criteria: ICSL Variant Classification Criteria 13 December 2019. Collection method: clinical testing. Allele origin: germline.
Comment: the same text as in the submission from Illumina Laboratory Services, Illumina above.

NM_000501.4(ELN):c.921A>G (p.Ala307=)

Gene: ELN (elastin; plus strand). Cytogenetic location: 7q11.23.
Variant type: single nucleotide variant.
Coding change: c.921A>G on transcript NM_000501.4 (MANE Select); coding-DNA position 921, A replaced by G.
Protein change: p.Ala307=; no amino-acid change (alanine 307 retained).
Molecular consequence: synonymous variant.
Genome position (GRCh38, 1-based): chr7:74,051,955, A>G. VCF-style: chr7-74051955-A-G. GRCh37 (hg19) VCF-style: chr7-73466285-A-G.
Other names: c.891A>G, p.Ala297= (NM_001081752.3, NM_001278917.2); c.936A>G, p.Ala312= (NM_001081753.3, NM_001081754.3); c.921A>G, p.Ala307= (NM_001081755.3, NM_001278912.2, NM_001278915.2 and 1 more transcripts); c.813A>G, p.Ala271= (NM_001278913.2); c.906A>G, p.Ala302= (NM_001278914.2); c.879A>G, p.Ala293= (NM_001278916.2); c.789A>G, p.Ala263= (NM_001278918.2); c.921A>G (NM_000501.2).
Identifiers: ClinVar variation 360640 (VCV000360640.20), dbSNP rs6979788, ClinGen allele CA4292763.
Genomic context (GRCh38, chr7:74,051,955, plus strand): 5'-GACCTCACCCTCTGTGGCTGTGTTTTCAGGCGTTGGGACTCCAGCTGCAGCTGCAGCTGC[A>G]GCAGCAGCCGCTAAGGCAGCCAAGTATGGTGAGTGCCTCCCGGGGTGGCAAGTCCACGGC-3'
Protein context (NP_000492.2, residues 297-317): GVGTPAAAAA[Ala307=]AAAAKAAKYG